The following is an entry in ClinVar:

ClinVar aggregate classification (germline): Uncertain significance (1 of 4 stars; one submission).

gnomAD v4.1: 1 of 1,614,180 alleles (0.000062%); highest among the groups gnomAD compares: Non-Finnish European, 0.000085%; no homozygotes.

Submission:

Labcorp Genetics (formerly Invitae), Labcorp
Classification: Uncertain significance. Last evaluated: 2022-07-02. Review status: criteria provided, single submitter. Criteria: Invitae Variant Classification Sherloc (09022015). Collection method: clinical testing. Allele origin: germline.
Comment: In summary, the available evidence is currently insufficient to determine the role of this variant in disease. Therefore, it has been classified as a Variant of Uncertain Significance. Advanced modeling of protein sequence and biophysical properties (such as structural, functional, and spatial information, amino acid conservation, physicochemical variation, residue mobility, and thermodynamic stability) performed at Invitae indicates that this missense variant is not expected to disrupt MTOR protein function. This variant has not been reported in the literature in individuals affected with MTOR-related conditions. This variant is not present in population databases (gnomAD no frequency). This sequence change replaces serine, which is neutral and polar, with isoleucine, which is neutral and non-polar, at codon 350 of the MTOR protein (p.Ser350Ile).

NM_004958.4(MTOR):c.1049G>T (p.Ser350Ile)

Gene: MTOR (mechanistic target of rapamycin kinase; minus strand). Cytogenetic location: 1p36.22.
Variant type: single nucleotide variant.
Coding change: c.1049G>T on transcript NM_004958.4 (MANE Select); coding-DNA position 1049, G replaced by T.
Protein change: p.Ser350Ile; replaces serine 350 with isoleucine.
Molecular consequence: missense variant. On other transcripts: 5 prime UTR variant (1).
Genome position (GRCh38, 1-based): chr1:11,247,886, C>A on the plus strand (G>T on the coding strand, the complement: MTOR is on the minus strand). VCF-style: chr1-11247886-C-A. GRCh37 (hg19) VCF-style: chr1-11307943-C-A.
Other names: c.1049G>T, p.Ser350Ile (NM_001386500.1); c.-91G>T (NM_001386501.1); short protein forms S350I.
Identifiers: ClinVar variation 2013111 (VCV002013111.4), dbSNP rs2523387909, ClinGen allele CA338399625.